The following is an entry in ClinVar:

NM_002291.3(LAMB1):c.4746-9_4746-7del

Gene: LAMB1 (laminin subunit beta 1; minus strand). Cytogenetic location: 7q31.1.
Variant type: Deletion.
Coding change: c.4746-9_4746-7del on transcript NM_002291.3 (MANE Select); 9 bases into the intron before coding-DNA position 4746 through 7 bases into the intron before coding-DNA position 4746, 3 bases deleted (TTT; older notation c.4746-9_4746-7delTTT).
Molecular consequence: intron variant.
Genome position (GRCh38, 1-based): chr7:107,929,212-107,929,214, AAA deleted on the plus strand (TTT on the coding strand, the reverse complement: LAMB1 is on the minus strand); deleting any 3 consecutive bases within chr7:107,929,212-107,929,217 gives the same sequence; the c. name uses the placement nearest the transcript's 3' end. VCF-style (leftmost placement, unchanged base first): chr7-107929211-TAAA-T. GRCh37 (hg19) VCF-style: chr7-107569656-TAAA-T.
Identifiers: ClinVar variation 3029326 (VCV003029326.3), dbSNP rs2032644193, ClinGen allele CA1105650655.

ClinVar aggregate classification (germline): Uncertain significance. Review status: criteria provided, single submitter (1 of 4 stars). 2 submissions from 2 submitters: Uncertain significance (1). 1 of the submissions does not count toward it. Last evaluated 2025-06-28.

Conditions:
LAMB1-related disorder. Also called: LAMB1-related condition.

Submissions (2):

Labcorp Genetics (formerly Invitae), Labcorp
Classification: Uncertain significance. Last evaluated: 2025-06-28. Review status: criteria provided, single submitter. Criteria: Invitae Variant Classification Sherloc (09022015). Collection method: clinical testing. Allele origin: germline.
Comment: This sequence change falls in intron 30 of the LAMB1 gene. It does not directly change the encoded amino acid sequence of the LAMB1 protein. This variant is not present in population databases (gnomAD no frequency). This variant has not been reported in the literature in individuals affected with LAMB1-related conditions. ClinVar contains an entry for this variant (Variation ID: 3029326). Algorithms developed to predict the effect of sequence changes on RNA splicing suggest that this variant may disrupt the consensus splice site. In summary, the available evidence is currently insufficient to determine the role of this variant in disease. Therefore, it has been classified as a Variant of Uncertain Significance.

PreventionGenetics, part of Exact Sciences
Classification: Likely benign for LAMB1-related condition. Last evaluated: 2023-06-20. Review status: no assertion criteria provided. Collection method: clinical testing. Allele origin: germline. Not counted in ClinVar's aggregate classification.
Comment: This variant is classified as likely benign based on ACMG/AMP sequence variant interpretation guidelines (Richards et al. 2015 PMID: 25741868, with internal and published modifications).